The following is an entry in ClinVar:

ClinVar aggregate classification (germline): Pathogenic (1 of 4 stars; one submission).

Conditions:
Primary ciliary dyskinesia. Also called: Ciliary dyskinesia. Identifiers: Orphanet 244, MedGen C0008780, MONDO:0016575, HP:0012265.

Submission:

Department of Human Genetics, Hannover Medical School
Classification: Pathogenic for Primary Ciliary Dyskinesia. Last evaluated: 2026-04-01. Review status: criteria provided, single submitter. Criteria: ACMG Guidelines, 2015. Collection method: research. Allele origin: germline. Affected: no.
Comment: ['PM1_supporting: Variant in mutational hotspot.', 'PM2_supporting: Variant occures does not occur as homozygous in gnomAD.', 'PVS1_protein_very_strong: Transcript ENST00000260453 is predicted to undergo NMD.']

NM_018365.4(MNS1):c.697del (p.Gln233fs)

Genes: MNS1 (meiosis specific nuclear structural 1; minus strand), TEX9 (testis expressed 9; plus strand). Cytogenetic location: 15q21.3.
Variant type: Deletion.
Coding change: c.697del on transcript NM_018365.4 (MANE Select); coding-DNA position 697, one base deleted (C; older notation c.697delC).
Protein change: p.Gln233fs; shifts the reading frame from glutamine 233.
Molecular consequence: frameshift variant. On other transcripts: intron variant (2).
Genome position (GRCh38, 1-based): chr15:56,443,844, G deleted on the plus strand (C on the coding strand, the reverse complement: MNS1 is on the minus strand). VCF-style (leftmost placement, unchanged base first): chr15-56443843-TG-T. GRCh37 (hg19) VCF-style: chr15-56736041-TG-T.
Other names: c.*30-1827del (NM_001286449.2, NM_198524.3); short protein forms Q233fs.
Identifiers: ClinVar variation 4880159 (VCV004880159.1).